The following is an entry in ClinVar:

ClinVar aggregate classification (germline): Uncertain significance (1 of 4 stars; one submission).

Conditions:
SH2B1-related disorder. Also called: SH2B1-related condition.

Submission:

PreventionGenetics, part of Exact Sciences
Classification: Uncertain significance for SH2B1-related condition. Last evaluated: 2025-06-26. Review status: criteria provided, single submitter. Criteria: ACMG Guidelines, 2015. Collection method: clinical testing. Allele origin: germline.
Comment: The SH2B1 c.2091_2108dup18 variant is predicted to result in an in-frame duplication (p.Val699_Leu704dup). To our knowledge, this variant has not been reported in the literature. This variant is reported in 0.0086% of alleles in individuals of Latino descent in gnomAD. At this time, the clinical significance of this variant is uncertain due to the absence of conclusive functional and genetic evidence.

NM_001387430.1(SH2B1):c.2073GCTGGTCCCCGTGGTTGA[3] (p.Leu704_Glu705insValProValValGluLeu)

Gene: SH2B1 (SH2B adaptor protein 1; plus strand). Cytogenetic location: 16p11.2.
Variant type: Microsatellite.
Coding change: c.2073GCTGGTCCCCGTGGTTGA[3] on transcript NM_001387430.1 (MANE Select); three copies in a row of the 18-base unit GCTGGTCCCCGTGGTTGA starting at c.2073; the reference has two copies in a row; one copy, 18 bases duplicated.
Protein change: p.Leu704_Glu705insValProValValGluLeu.
Molecular consequence: inframe insertion. On other transcripts: 3 prime UTR variant (5).
Genome position (GRCh38, 1-based): chr16:28,873,640-28,873,657, GCTGGTCCCCGTGGTTGA duplicated; duplicating any 18 consecutive bases within chr16:28,873,620-28,873,657 gives the same sequence; the position shown is the placement nearest the transcript's 3' end. VCF-style (leftmost placement, unchanged base first): chr16-28873619-A-AGAGCTGGTCCCCGTGGTT. GRCh37 (hg19) VCF-style: chr16-28884940-A-AGAGCTGGTCCCCGTGGTT.
Other names: c.2073GCTGGTCCCCGTGGTTGA[3], p.Leu704_Glu705insValProValValGluLeu (NM_001145795.2, NM_001308293.2, NM_001387404.1); c.*157GCTGGTCCCCGTGGTTGA[3] (NM_001145796.2, NM_001145812.2, NM_001308294.2 and 1 more transcripts); c.*174GCTGGTCCCCGTGGTTGA[3] (NM_001145797.2).
Identifiers: ClinVar variation 3357816 (VCV003357816.2).